The following is an entry in ClinVar:

ClinVar aggregate classification (germline): Uncertain significance. Review status: criteria provided, multiple submitters, no conflicts (2 of 4 stars). 3 submissions from 3 submitters: Uncertain significance (2). 1 of the submissions does not count toward it. Last evaluated 2022-09-02.

Conditions:
Aicardi Goutieres syndrome (AGS). Also called: Encephalopathy, familial infantile, with calcification of basal ganglia and chronic cerebrospinal fluid lymphocytosis. Identifiers: Orphanet 51, MedGen C0393591, MONDO:0018866.
Aicardi-Goutieres syndrome 5. Identifiers: Orphanet 51, MedGen C2749659, MONDO:0013059, OMIM 612952.

gnomAD v4.1: 1 of 1,611,030 alleles (0.000062%); highest among the groups gnomAD compares: South Asian, 0.0011%; no homozygotes.

Submissions (3):

Labcorp Genetics (formerly Invitae), Labcorp
Classification: Uncertain significance for Aicardi-Goutieres syndrome 5. Last evaluated: 2022-09-02. Review status: criteria provided, single submitter. Criteria: Invitae Variant Classification Sherloc (09022015). Collection method: clinical testing. Allele origin: germline.
Comment: This sequence change replaces lysine, which is basic and polar, with glutamic acid, which is acidic and polar, at codon 392 of the SAMHD1 protein (p.Lys392Glu). This variant is not present in population databases (gnomAD no frequency). This variant has not been reported in the literature in individuals affected with SAMHD1-related conditions. ClinVar contains an entry for this variant (Variation ID: 663101). Algorithms developed to predict the effect of missense changes on protein structure and function output the following: SIFT: "Deleterious"; PolyPhen-2: "Benign"; Align-GVGD: "Class C0". The glutamic acid amino acid residue is found in multiple mammalian species, which suggests that this missense change does not adversely affect protein function. In summary, the available evidence is currently insufficient to determine the role of this variant in disease. Therefore, it has been classified as a Variant of Uncertain Significance.

Blueprint Genetics
Classification: Uncertain significance. Last evaluated: 2017-12-23. Review status: criteria provided, single submitter. Criteria: ACMG Guidelines, 2015. Collection method: clinical testing. Allele origin: germline.

Natera, Inc.
Classification: Uncertain significance for Aicardi-Goutieres syndrome. Last evaluated: 2020-03-04. Review status: no assertion criteria provided. Collection method: clinical testing. Allele origin: germline. Not counted in ClinVar's aggregate classification.

NM_015474.4(SAMHD1):c.1174A>G (p.Lys392Glu)

Gene: SAMHD1 (SAM and HD domain containing deoxynucleoside triphosphate triphosphohydrolase 1; minus strand). Cytogenetic location: 20q11.23.
Variant type: single nucleotide variant.
Coding change: c.1174A>G on transcript NM_015474.4 (MANE Select); coding-DNA position 1174, A replaced by G.
Protein change: p.Lys392Glu; replaces lysine 392 with glutamic acid.
Molecular consequence: missense variant.
Genome position (GRCh38, 1-based): chr20:36,911,314, T>C on the plus strand (A>G on the coding strand, the complement: SAMHD1 is on the minus strand). VCF-style: chr20-36911314-T-C. GRCh37 (hg19) VCF-style: chr20-35539717-T-C.
Other names: c.1174A>G, p.Lys392Glu (NM_001363729.2, NM_001363733.2); short protein forms K392E.
Identifiers: ClinVar variation 663101 (VCV000663101.10), dbSNP rs1338752164, ClinGen allele CA408843646.